The following is an entry in ClinVar:

ClinVar aggregate classification (germline): Uncertain significance. Review status: criteria provided, multiple submitters, no conflicts (2 of 4 stars). 2 submissions from 2 submitters: Uncertain significance (2). Last evaluated 2025-04-14.

Allele frequency attached by ClinVar (database versions not stated): gnomAD exomes below 0.00001; TOPMed below 0.00001.
gnomAD v4.1: 4 of 1,614,124 alleles (0.00025%); highest among the groups gnomAD compares: South Asian, 0.0022%; no homozygotes.

Submissions (2):

Ambry Genetics
Classification: Uncertain significance. Last evaluated: 2025-04-14. Review status: criteria provided, single submitter. Criteria: Ambry Variant Classification Scheme 2023. Collection method: clinical testing. Allele origin: germline.

Labcorp Genetics (formerly Invitae), Labcorp
Classification: Uncertain significance. Last evaluated: 2023-07-17. Review status: criteria provided, single submitter. Criteria: Invitae Variant Classification Sherloc (09022015). Collection method: clinical testing. Allele origin: germline.
Comment: In summary, the available evidence is currently insufficient to determine the role of this variant in disease. Therefore, it has been classified as a Variant of Uncertain Significance. An algorithm developed to predict the effect of missense changes on protein structure and function (PolyPhen-2) suggests that this variant is likely to be disruptive. ClinVar contains an entry for this variant (Variation ID: 2290143). This variant has not been reported in the literature in individuals affected with ASRGL1-related conditions. This variant is not present in population databases (gnomAD no frequency). This sequence change replaces arginine, which is basic and polar, with serine, which is neutral and polar, at codon 258 of the ASRGL1 protein (p.Arg258Ser).

NM_001083926.2(ASRGL1):c.774G>C (p.Arg258Ser)

Gene: ASRGL1 (asparaginase and isoaspartyl peptidase 1; plus strand). Cytogenetic location: 11q12.3.
Variant type: single nucleotide variant.
Coding change: c.774G>C on transcript NM_001083926.2 (MANE Select); coding-DNA position 774, G replaced by C.
Protein change: p.Arg258Ser; replaces arginine 258 with serine.
Molecular consequence: missense variant.
Genome position (GRCh38, 1-based): chr11:62,392,131, G>C. VCF-style: chr11-62392131-G-C. GRCh37 (hg19) VCF-style: chr11-62159603-G-C.
Other names: c.774G>C, p.Arg258Ser (NM_025080.4); short protein forms R258S.
Identifiers: ClinVar variation 2290143 (VCV002290143.6), dbSNP rs1201880421, ClinGen allele CA380871645.